The following is an entry in ClinVar:

ClinVar aggregate classification (germline): Uncertain significance. Review status: criteria provided, multiple submitters, no conflicts (2 of 4 stars). 2 submissions from 2 submitters: Uncertain significance (2). Last evaluated 2025-10-06.

Conditions:
Inborn genetic diseases. Identifiers: MedGen C0950123, MeSH D030342.
Achondrogenesis, type IA (ACG1A). Identifiers: Orphanet 932, Orphanet 93299, MedGen C0265273, MONDO:0008701, OMIM 200600.

Allele frequency attached by ClinVar (database versions not stated): ExAC 0.00002; gnomAD 0.00002; gnomAD exomes 0.00002; TOPMed 0.00002.
gnomAD v4.1: 15 of 1,613,842 alleles (0.00093%); highest among the groups gnomAD compares: Admixed American, 0.025%; no homozygotes.

Submissions (2):

Ambry Genetics
Classification: Uncertain significance for Inborn genetic diseases. Last evaluated: 2025-10-06. Review status: criteria provided, single submitter. Criteria: Ambry Variant Classification Scheme 2023. Collection method: clinical testing. Allele origin: germline.

Labcorp Genetics (formerly Invitae), Labcorp
Classification: Uncertain significance for Achondrogenesis, type IA. Last evaluated: 2022-02-08. Review status: criteria provided, single submitter. Criteria: Invitae Variant Classification Sherloc (09022015). Collection method: clinical testing. Allele origin: germline.
Comment: This sequence change replaces methionine, which is neutral and non-polar, with valine, which is neutral and non-polar, at codon 347 of the TRIP11 protein (p.Met347Val). This variant is present in population databases (rs758182094, gnomAD 0.02%). This variant has not been reported in the literature in individuals affected with TRIP11-related conditions. Algorithms developed to predict the effect of missense changes on protein structure and function are either unavailable or do not agree on the potential impact of this missense change (SIFT: "Not Available"; PolyPhen-2: "Benign"; Align-GVGD: "Not Available"). In summary, the available evidence is currently insufficient to determine the role of this variant in disease. Therefore, it has been classified as a Variant of Uncertain Significance.

NM_004239.4(TRIP11):c.1039A>G (p.Met347Val)

Gene: TRIP11 (thyroid hormone receptor interactor 11; minus strand). Cytogenetic location: 14q32.12.
Variant type: single nucleotide variant.
Coding change: c.1039A>G on transcript NM_004239.4 (MANE Select); coding-DNA position 1039, A replaced by G.
Protein change: p.Met347Val; replaces methionine 347 with valine.
Molecular consequence: missense variant.
Genome position (GRCh38, 1-based): chr14:92,014,362, T>C on the plus strand (A>G on the coding strand, the complement: TRIP11 is on the minus strand). VCF-style: chr14-92014362-T-C. GRCh37 (hg19) VCF-style: chr14-92480706-T-C.
Other names: c.1036A>G, p.Met346Val (NM_001321851.1); c.1039A>G (NM_004239.3); short protein forms M346V, M347V.
Identifiers: ClinVar variation 1426022 (VCV001426022.4), dbSNP rs758182094, ClinGen allele CA7314036.